The following is an entry in ClinVar:

NM_000393.5(COL5A2):c.798+258T>C

Gene: COL5A2 (collagen type V alpha 2 chain; minus strand). Cytogenetic location: 2q32.2.
Variant type: single nucleotide variant.
Coding change: c.798+258T>C on transcript NM_000393.5 (MANE Select); 258 bases into the intron after coding-DNA position 798, T replaced by C.
Molecular consequence: intron variant.
Genome position (GRCh38, 1-based): chr2:189,084,902, A>G on the plus strand (T>C on the coding strand, the complement: COL5A2 is on the minus strand). VCF-style: chr2-189084902-A-G. GRCh37 (hg19) VCF-style: chr2-189949628-A-G.
Identifiers: ClinVar variation 673594 (VCV000673594.1), dbSNP rs13416517, ClinGen allele CA62567122.

ClinVar aggregate classification (germline): Benign (1 of 4 stars; one submission).

Allele frequency attached by ClinVar (database versions not stated): gnomAD 0.04448 and 0.04778; TOPMed 0.05103; 1000 Genomes Project 0.05132; 1000 Genomes Project 30x 0.05340.
gnomAD v4.1: 6,700 of 152,244 alleles (4.4%); highest among the groups gnomAD compares: African/African-American, 15%; 515 homozygotes.

Submission:

GeneDx
Classification: Benign. Last evaluated: 2018-06-14. Review status: criteria provided, single submitter. Criteria: GeneDx Variant Classification (06012015). Collection method: clinical testing. Allele origin: germline. Affected: yes.
Comment: This variant is considered likely benign or benign based on one or more of the following criteria: it is a conservative change, it occurs at a poorly conserved position in the protein, it is predicted to be benign by multiple in silico algorithms, and/or has population frequency not consistent with disease.